The following is an entry in ClinVar:

ClinVar aggregate classification (germline): Uncertain significance (1 of 4 stars; one submission).

Conditions:
Luscan-Lumish syndrome. Identifiers: Orphanet 597738, MedGen C4085873, MONDO:0014791, OMIM 616831.

Allele frequency attached by ClinVar (database versions not stated): gnomAD 0.00001; gnomAD exomes 0.00001 and 0.00003.
gnomAD v4.1: 10 of 1,614,060 alleles (0.00062%); highest among the groups gnomAD compares: East Asian, 0.02%; no homozygotes.

Submission:

Labcorp Genetics (formerly Invitae), Labcorp
Classification: Uncertain significance for Luscan-Lumish syndrome. Last evaluated: 2019-03-25. Review status: criteria provided, single submitter. Criteria: Invitae Variant Classification Sherloc (09022015). Collection method: clinical testing. Allele origin: germline.
Comment: In summary, the available evidence is currently insufficient to determine the role of this variant in disease. Therefore, it has been classified as a Variant of Uncertain Significance. Algorithms developed to predict the effect of missense changes on protein structure and function are either unavailable or do not agree on the potential impact of this missense change (SIFT: "Tolerated"; PolyPhen-2: "Probably Damaging"; Align-GVGD: "Class C0"). This variant has been observed to be de novo in an individual affected with autism spectrum disorder, in whom a second de novo variant in a different gene was also observed (PMID: 27455002). This variant is not present in population databases (ExAC no frequency). This sequence change replaces glycine with arginine at codon 2299 of the SETD2 protein (p.Gly2299Arg). The glycine residue is highly conserved and there is a moderate physicochemical difference between glycine and arginine.

Literature cited by the submitters: PubMed 27455002.

NM_014159.7(SETD2):c.6895G>A (p.Gly2299Arg)

Gene: SETD2 (SET domain containing 2, histone lysine methyltransferase; minus strand). Cytogenetic location: 3p21.31.
Variant type: single nucleotide variant.
Coding change: c.6895G>A on transcript NM_014159.7 (MANE Select); coding-DNA position 6895, G replaced by A.
Protein change: p.Gly2299Arg; replaces glycine 2299 with arginine.
Molecular consequence: missense variant. On other transcripts: non-coding transcript variant (1).
Genome position (GRCh38, 1-based): chr3:47,056,889, C>T on the plus strand (G>A on the coding strand, the complement: SETD2 is on the minus strand). VCF-style: chr3-47056889-C-T. GRCh37 (hg19) VCF-style: chr3-47098379-C-T.
Other names: c.6763G>A, p.Gly2255Arg (NM_001349370.3); short protein forms G2255R, G2299R.
Identifiers: ClinVar variation 838481 (VCV000838481.5), dbSNP rs1193656443, ClinGen allele CA352518876.